The following is an entry in ClinVar:

NM_033380.3(COL4A5):c.949del (p.Asp317fs)

Gene: COL4A5 (collagen type IV alpha 5 chain; plus strand). Cytogenetic location: Xq22.3.
Variant type: Deletion.
Coding change: c.949del on transcript NM_033380.3 (MANE Select); coding-DNA position 949, one base deleted (G; older notation c.949delG).
Protein change: p.Asp317fs; shifts the reading frame from aspartic acid 317.
Molecular consequence: frameshift variant.
Genome position (GRCh38, 1-based): chrX:108,582,896, G deleted. VCF-style (leftmost placement, unchanged base first): chrX-108582895-TG-T. GRCh37 (hg19) VCF-style: chrX-107826125-TG-T.
Other names: c.949del, p.Asp317fs (NM_000495.5); short protein forms D317fs.
Identifiers: ClinVar variation 3236056 (VCV003236056.1), dbSNP rs2524254615, ClinGen allele CA2825002917.

ClinVar aggregate classification (germline): Pathogenic (1 of 4 stars; one submission).

Conditions:
X-linked Alport syndrome (ATS1). Also called: COL4A5-Related Nephropathy; NEPHROPATHY AND DEAFNESS, X-LINKED. Identifiers: Orphanet 63, Orphanet 88917, MedGen C4746986, MONDO:0010520, OMIM 301050.

Submission:

MVZ Medizinische Genetik Mainz
Classification: Pathogenic for X-linked Alport syndrome. Last evaluated: 2022-01-10. Review status: criteria provided, single submitter. Criteria: UK Practice Guidelines For Variant Classification V4 01 2020. Collection method: clinical testing. Allele origin: germline. Inheritance: X-linked dominant inheritance. Observed: 1 variant allele.
Comment: ACMG Criteria: PVS1, PM2_SUP, PP4